The following is an entry in ClinVar:

NM_001164508.2(NEB):c.4079A>G (p.Asn1360Ser)

Gene: NEB (nebulin; minus strand). Cytogenetic location: 2q23.3.
Variant type: single nucleotide variant.
Coding change: c.4079A>G on transcript NM_001164508.2 (MANE Select); coding-DNA position 4079, A replaced by G.
Protein change: p.Asn1360Ser; replaces asparagine 1360 with serine.
Molecular consequence: missense variant.
Genome position (GRCh38, 1-based): chr2:151,672,589, T>C on the plus strand (A>G on the coding strand, the complement: NEB is on the minus strand). VCF-style: chr2-151672589-T-C. GRCh37 (hg19) VCF-style: chr2-152529103-T-C.
Other names: c.4079A>G, p.Asn1360Ser (NM_001164507.2, NM_001271208.2, NM_004543.5); short protein forms N1360S.
Identifiers: ClinVar variation 1001775 (VCV001001775.9), dbSNP rs774219262, ClinGen allele CA1910730.

ClinVar aggregate classification (germline): Uncertain significance. Review status: criteria provided, single submitter (1 of 4 stars). 2 submissions from 2 submitters: Uncertain significance (1). 1 of the submissions does not count toward it. Last evaluated 2025-10-02.

Conditions:
Nemaline myopathy 2 (NEM2). Also called: Nemaline myopathy 2, autosomal recessive. Identifiers: MedGen C1850569, MONDO:0009725, OMIM 256030.

Allele frequency attached by ClinVar (database versions not stated): ExAC 0.00001; gnomAD 0.00001; gnomAD exomes 0.00001; TOPMed 0.00001.
gnomAD v4.1: 4 of 1,613,900 alleles (0.00025%); highest among the groups gnomAD compares: Middle Eastern, 0.016%; no homozygotes.

Submissions (2):

Labcorp Genetics (formerly Invitae), Labcorp
Classification: Uncertain significance for Nemaline myopathy 2. Last evaluated: 2025-10-02. Review status: criteria provided, single submitter. Criteria: Invitae Variant Classification Sherloc (09022015). Collection method: clinical testing. Allele origin: germline.
Comment: This sequence change replaces asparagine, which is neutral and polar, with serine, which is neutral and polar, at codon 1360 of the NEB protein (p.Asn1360Ser). This variant is present in population databases (rs774219262, gnomAD 0.002%). This variant has not been reported in the literature in individuals affected with NEB-related conditions. ClinVar contains an entry for this variant (Variation ID: 1001775). Experimental studies and prediction algorithms are not available or were not evaluated, and the functional significance of this variant is currently unknown. In summary, the available evidence is currently insufficient to determine the role of this variant in disease. Therefore, it has been classified as a Variant of Uncertain Significance.

Natera, Inc.
Classification: Uncertain significance for Nemaline myopathy type 2. Last evaluated: 2020-07-01. Review status: no assertion criteria provided. Collection method: clinical testing. Allele origin: germline. Not counted in ClinVar's aggregate classification.